The following is an entry in ClinVar:

ClinVar aggregate classification (germline): Uncertain significance (1 of 4 stars; one submission).

Submission:

Labcorp Genetics (formerly Invitae), Labcorp
Classification: Uncertain significance. Last evaluated: 2024-09-23. Review status: criteria provided, single submitter. Criteria: Invitae Variant Classification Sherloc (09022015). Collection method: clinical testing. Allele origin: germline.
Comment: This sequence change replaces aspartic acid, which is acidic and polar, with asparagine, which is neutral and polar, at codon 1764 of the HIVEP2 protein (p.Asp1764Asn). This variant is not present in population databases (gnomAD no frequency). This variant has not been reported in the literature in individuals affected with HIVEP2-related conditions. This missense change has been observed in at least one individual who was not affected with HIVEP2-related conditions (internal data). Invitae Evidence Modeling of protein sequence and biophysical properties (such as structural, functional, and spatial information, amino acid conservation, physicochemical variation, residue mobility, and thermodynamic stability) indicates that this missense variant is expected to disrupt HIVEP2 protein function with a positive predictive value of 80%. In summary, the available evidence is currently insufficient to determine the role of this variant in disease. Therefore, it has been classified as a Variant of Uncertain Significance.

NM_006734.4(HIVEP2):c.5290G>A (p.Asp1764Asn)

Gene: HIVEP2 (HIVEP zinc finger 2; minus strand). Cytogenetic location: 6q24.2.
Variant type: single nucleotide variant.
Coding change: c.5290G>A on transcript NM_006734.4 (MANE Select); coding-DNA position 5290, G replaced by A.
Protein change: p.Asp1764Asn; replaces aspartic acid 1764 with asparagine.
Molecular consequence: missense variant.
Genome position (GRCh38, 1-based): chr6:142,768,434, C>T on the plus strand (G>A on the coding strand, the complement: HIVEP2 is on the minus strand). VCF-style: chr6-142768434-C-T. GRCh37 (hg19) VCF-style: chr6-143089571-C-T.
Other names: short protein forms D1764N.
Identifiers: ClinVar variation 3662136 (VCV003662136.2).
Genomic context (GRCh38, chr6:142,768,434, plus strand): 5'-TTCCTTACCCTCCTTCAAATATTTTAATTCGGATTGGCTCAGTTTGTTTGGATCCAATAT[C>T]TTTATCTCCATGAATATCTCCTTTCCCTCTTTCCTTTAAGATATTTCCCACTAGTTTCCT-3'
Protein context (NP_006725.3, residues 1754-1774): RGKGDIHGDK[Asp1764Asn]IGSKQTEPIR